The following is an entry in ClinVar:

NM_001042492.3(NF1):c.1999A>G (p.Met667Val)

Gene: NF1 (neurofibromin 1; plus strand). Cytogenetic location: 17q11.2.
Variant type: single nucleotide variant.
Coding change: c.1999A>G on transcript NM_001042492.3 (MANE Select); coding-DNA position 1999, A replaced by G.
Protein change: p.Met667Val; replaces methionine 667 with valine.
Molecular consequence: missense variant.
Genome position (GRCh38, 1-based): chr17:31,225,248, A>G. VCF-style: chr17-31225248-A-G. GRCh37 (hg19) VCF-style: chr17-29552266-A-G.
Other names: c.1999A>G, p.Met667Val (NM_000267.4); short protein forms M667V.
Identifiers: ClinVar variation 186476 (VCV000186476.19), dbSNP rs749833271, ClinGen allele CA194931.

ClinVar aggregate classification (germline): Conflicting classifications of pathogenicity. Review status: criteria provided, conflicting classifications (1 of 4 stars). 6 submissions from 5 submitters: Uncertain significance (3); Likely benign (3). Last evaluated 2025-10-18.

Conditions:
Hereditary cancer-predisposing syndrome. Also called: Tumor predisposition; Neoplastic Syndromes, Hereditary; Hereditary neoplastic syndrome; Hereditary Cancer Syndrome. Identifiers: Orphanet 140162, MedGen C0027672, MeSH D009386, MONDO:0015356.
Cardiovascular phenotype. Identifiers: MedGen CN230736.
Neurofibromatosis, type 1 (NF1). Also called: NEUROFIBROMATOSIS, TYPE I, SOMATIC; Peripheral type neurofibromatosis; VON RECKLINGHAUSEN DISEASE; Neurofibromatosis, type I. Identifiers: Orphanet 636, MedGen C0027831, MONDO:0018975, OMIM 162200. Disease mechanism: loss of function.

Allele frequency attached by ClinVar (database versions not stated): gnomAD exomes below 0.00001 and 0.00001; TOPMed below 0.00001; ExAC 0.00001; gnomAD 0.00001.
gnomAD v4.1: 11 of 1,613,364 alleles (0.00068%); highest among the groups gnomAD compares: Middle Eastern, 0.016%; no homozygotes.

Submissions (6):

Labcorp Genetics (formerly Invitae), Labcorp
Classification: Likely benign for Neurofibromatosis, type 1. Last evaluated: 2025-10-18. Review status: criteria provided, single submitter. Criteria: Invitae Variant Classification Sherloc (09022015). Collection method: clinical testing. Allele origin: germline.

Ambry Genetics
Classification: Likely benign for Cardiovascular phenotype; Hereditary cancer-predisposing syndrome. Last evaluated: 2024-02-27. Review status: criteria provided, single submitter. Criteria: Ambry Variant Classification Scheme 2023. Collection method: clinical testing. Allele origin: germline.

GeneDx
Classification: Likely benign. Last evaluated: 2023-10-20. Review status: criteria provided, single submitter. Criteria: GeneDx Variant Classification Process June 2021. Collection method: clinical testing. Allele origin: germline. Affected: yes.
Comment: See Variant Classification Assertion Criteria.

Blueprint Genetics
Classification: Uncertain significance. Last evaluated: 2023-09-21. Review status: criteria provided, single submitter. Criteria: ACMG Guidelines, 2015. Collection method: clinical testing. Allele origin: germline.

Genome-Nilou Lab
Classification: Uncertain significance for Neurofibromatosis, type 1. Last evaluated: 2022-03-15. Review status: criteria provided, single submitter. Criteria: ACMG Guidelines, 2015. Collection method: clinical testing. Allele origin: germline. Affected: no.

Ambry Genetics
Classification: Uncertain significance for Hereditary cancer-predisposing syndrome. Last evaluated: 2015-12-05. Review status: criteria provided, single submitter. Criteria: Ambry Autosomal Dominant and X-Linked criteria (10/2015). Collection method: clinical testing. Allele origin: germline. Observed: 1 variant allele.
Comment: The p.M667V variant (also known as c.1999A>G), located in coding exon 17 of the NF1 gene, results from an A to G substitution at nucleotide position 1999. The methionine at codon 667 is replaced by valine, an amino acid with highly similar properties. This variant was not reported in population based cohorts in the following databases: Database of Single Nucleotide Polymorphisms (dbSNP), NHLBI Exome Sequencing Project (ESP), and 1000 Genomes Project. In the ESP, this variant was not observed in 6503 samples (13006 alleles) with coverage at this position. To date, this alteration has been detected with an allele frequency of approximately 0.003% (greater than 110000 alleles tested) in our clinical cohort. This amino acid position is well conserved in available vertebrate species. In addition, this alteration is predicted to be tolerated by in silico analysis. Since supporting evidence is limited at this time, the clinical significance of p.M667V remains unclear.